The following is an entry in ClinVar:

NM_001370466.1(NOD2):c.2770C>G (p.Leu924Val)

Gene: NOD2 (nucleotide binding oligomerization domain containing 2; plus strand). Cytogenetic location: 16q12.1.
Variant type: single nucleotide variant.
Coding change: c.2770C>G on transcript NM_001370466.1 (MANE Select); coding-DNA position 2770, C replaced by G.
Protein change: p.Leu924Val; replaces leucine 924 with valine.
Molecular consequence: missense variant. On other transcripts: non-coding transcript variant (1).
Genome position (GRCh38, 1-based): chr16:50,723,353, C>G. VCF-style: chr16-50723353-C-G. GRCh37 (hg19) VCF-style: chr16-50757264-C-G.
Other names: c.2770C>G, p.Leu924Val (NM_001293557.2); c.2851C>G, p.Leu951Val (NM_022162.3); c.2851C>G (LRG_177t1); short protein forms L951V, L924V.
Identifiers: ClinVar variation 636735 (VCV000636735.4), dbSNP rs768561004, ClinGen allele CA281276438.

ClinVar aggregate classification (germline): Uncertain significance. Review status: criteria provided, multiple submitters, no conflicts (2 of 4 stars). 2 submissions from 2 submitters: Uncertain significance (2). Last evaluated 2025-07-08.

Conditions:
Regional enteritis. Also called: Enteritis, Granulomatous. Identifiers: MedGen C0678202, MeSH D003424.
Blau syndrome (BLAUS). Also called: ARTHROCUTANEOUVEAL GRANULOMATOSIS; GRANULOMATOSIS, FAMILIAL JUVENILE SYSTEMIC; GRANULOMATOSIS, FAMILIAL, BLAU TYPE; GRANULOMATOUS INFLAMMATORY ARTHRITIS, DERMATITIS, AND UVEITIS, FAMILIAL; JABS SYNDROME. Identifiers: Orphanet 90340, MedGen C5201146, MONDO:0008523, OMIM 186580.

gnomAD v4.1: 12 of 1,613,908 alleles (0.00074%); highest among the groups gnomAD compares: Non-Finnish European, 0.00093%; no homozygotes.

Submissions (2):

Labcorp Genetics (formerly Invitae), Labcorp
Classification: Uncertain significance for Regional enteritis; Blau syndrome. Last evaluated: 2025-07-08. Review status: criteria provided, single submitter. Criteria: Invitae Variant Classification Sherloc (09022015). Collection method: clinical testing. Allele origin: germline.
Comment: This sequence change replaces leucine, which is neutral and non-polar, with valine, which is neutral and non-polar, at codon 951 of the NOD2 protein (p.Leu951Val). This variant is not present in population databases (gnomAD no frequency). This variant has not been reported in the literature in individuals affected with NOD2-related conditions. ClinVar contains an entry for this variant (Variation ID: 636735). Invitae Evidence Modeling of protein sequence and biophysical properties (such as structural, functional, and spatial information, amino acid conservation, physicochemical variation, residue mobility, and thermodynamic stability) indicates that this missense variant is not expected to disrupt NOD2 protein function with a negative predictive value of 95%. In summary, the available evidence is currently insufficient to determine the role of this variant in disease. Therefore, it has been classified as a Variant of Uncertain Significance.

Blueprint Genetics
Classification: Uncertain significance. Last evaluated: 2024-10-08. Review status: criteria provided, single submitter. Criteria: ACMG Guidelines, 2015. Collection method: clinical testing. Allele origin: germline.